The following is an entry in ClinVar:

NM_000548.5(TSC2):c.3251A>T (p.Asp1084Val)

Gene: TSC2 (TSC complex subunit 2; plus strand). Cytogenetic location: 16p13.3.
Variant type: single nucleotide variant.
Coding change: c.3251A>T on transcript NM_000548.5 (MANE Select); coding-DNA position 3251, A replaced by T.
Protein change: p.Asp1084Val; replaces aspartic acid 1084 with valine.
Molecular consequence: missense variant. On other transcripts: non-coding transcript variant (5).
Genome position (GRCh38, 1-based): chr16:2,079,395, A>T. VCF-style: chr16-2079395-A-T. GRCh37 (hg19) VCF-style: chr16-2129396-A-T.
Other names: c.2975A>T, p.Asp992Val (NM_001318829.2); c.2519A>T, p.Asp840Val (NM_001318831.2, NM_001406687.1, NM_001406688.1); c.3152A>T, p.Asp1051Val (NM_001318832.2); c.3122A>T, p.Asp1041Val (NM_001363528.2, NM_001370405.1, NM_021055.3); c.3119A>T, p.Asp1040Val (NM_001370404.1, NM_001406665.1, NM_001077183.3); c.3248A>T, p.Asp1083Val (NM_001406663.1, NM_001406664.1); c.3212A>T, p.Asp1071Val (NM_001406667.1); c.3251A>T, p.Asp1084Val (NM_001114382.3); and 18 more; short protein forms D1040V, D1047V, D593V, D884V, D992V, D1004V, D1034V, D1041V.
Identifiers: ClinVar variation 2757631 (VCV002757631.3), dbSNP rs2151440273, ClinGen allele CA394286140.

ClinVar aggregate classification (germline): Uncertain significance (1 of 4 stars; one submission).

Conditions:
Tuberous sclerosis 2 (TSC2). Identifiers: Orphanet 805, MedGen C1860707, MONDO:0013199, OMIM 613254.

Submission:

Labcorp Genetics (formerly Invitae), Labcorp
Classification: Uncertain significance for Tuberous sclerosis 2. Last evaluated: 2023-09-03. Review status: criteria provided, single submitter. Criteria: Invitae Variant Classification Sherloc (09022015). Collection method: clinical testing. Allele origin: germline.
Comment: In summary, the available evidence is currently insufficient to determine the role of this variant in disease. Therefore, it has been classified as a Variant of Uncertain Significance. Advanced modeling of protein sequence and biophysical properties (such as structural, functional, and spatial information, amino acid conservation, physicochemical variation, residue mobility, and thermodynamic stability) performed at Invitae indicates that this missense variant is not expected to disrupt TSC2 protein function. This variant has not been reported in the literature in individuals affected with TSC2-related conditions. This variant is not present in population databases (gnomAD no frequency). This sequence change replaces aspartic acid, which is acidic and polar, with valine, which is neutral and non-polar, at codon 1084 of the TSC2 protein (p.Asp1084Val).